The following is an entry in ClinVar:

ClinVar aggregate classification (germline): Uncertain significance. Review status: criteria provided, multiple submitters, no conflicts (2 of 4 stars). 2 submissions from 2 submitters: Uncertain significance (2). Last evaluated 2025-11-16.

Conditions:
Cardiovascular phenotype. Identifiers: MedGen CN230736.

Allele frequency attached by ClinVar (database versions not stated): gnomAD exomes below 0.00001; ExAC 0.00001.

Submissions (2):

Labcorp Genetics (formerly Invitae), Labcorp
Classification: Uncertain significance. Last evaluated: 2025-11-16. Review status: criteria provided, single submitter. Criteria: Invitae Variant Classification Sherloc (09022015). Collection method: clinical testing. Allele origin: germline.
Comment: This sequence change replaces proline, which is neutral and non-polar, with alanine, which is neutral and non-polar, at codon 396 of the TBX20 protein (p.Pro396Ala). This variant is present in population databases (rs748819827, gnomAD 0.003%). This variant has not been reported in the literature in individuals affected with TBX20-related conditions. ClinVar contains an entry for this variant (Variation ID: 1743495). Invitae Evidence Modeling of protein sequence and biophysical properties (such as structural, functional, and spatial information, amino acid conservation, physicochemical variation, residue mobility, and thermodynamic stability) indicates that this missense variant is not expected to disrupt TBX20 protein function with a negative predictive value of 80%. In summary, the available evidence is currently insufficient to determine the role of this variant in disease. Therefore, it has been classified as a Variant of Uncertain Significance.

Ambry Genetics
Classification: Uncertain significance for Cardiovascular phenotype. Last evaluated: 2025-03-06. Review status: criteria provided, single submitter. Criteria: Ambry Variant Classification Scheme 2023. Collection method: clinical testing. Allele origin: germline.

NM_001077653.2(TBX20):c.1186C>G (p.Pro396Ala)

Gene: TBX20 (T-box transcription factor 20; minus strand). Cytogenetic location: 7p14.2.
Variant type: single nucleotide variant.
Coding change: c.1186C>G on transcript NM_001077653.2 (MANE Select); coding-DNA position 1186, C replaced by G.
Protein change: p.Pro396Ala; replaces proline 396 with alanine.
Molecular consequence: missense variant.
Genome position (GRCh38, 1-based): chr7:35,202,588, G>C on the plus strand (C>G on the coding strand, the complement: TBX20 is on the minus strand). VCF-style: chr7-35202588-G-C. GRCh37 (hg19) VCF-style: chr7-35242200-G-C.
Other names: short protein forms P396A.
Identifiers: ClinVar variation 1743495 (VCV001743495.6), dbSNP rs748819827, ClinGen allele CA4217345.
Genomic context (GRCh38, chr7:35,202,588, plus strand): 5'-ATGAAGGGAATGTGGGGCCACTCCCTTGCATGGAGCTGGCAATGGCCGATGGTGTCAGAG[G>C]CATTCCCAGTCGGCTATATGGTGGCAGAGAACCCTGGATGGGGTGAGGAATGGGTGTTGC-3'
Protein context (NP_001071121.1, residues 386-406): SLPPYSRLGM[Pro396Ala]LTPSAIASSM